The following is an entry in ClinVar:

NM_002519.3(NPAT):c.2311A>G (p.Ile771Val)

Gene: NPAT (nuclear protein, coactivator of histone transcription; minus strand). Cytogenetic location: 11q22.3.
Variant type: single nucleotide variant.
Coding change: c.2311A>G on transcript NM_002519.3 (MANE Select); coding-DNA position 2311, A replaced by G.
Protein change: p.Ile771Val; replaces isoleucine 771 with valine.
Molecular consequence: missense variant.
Genome position (GRCh38, 1-based): chr11:108,172,673, T>C on the plus strand (A>G on the coding strand, the complement: NPAT is on the minus strand). VCF-style: chr11-108172673-T-C. GRCh37 (hg19) VCF-style: chr11-108043400-T-C.
Other names: c.2311A>G, p.Ile771Val (NM_001321307.1); short protein forms I771V.
Identifiers: ClinVar variation 1789439 (VCV001789439.2), dbSNP rs767410336, ClinGen allele CA6263838.
Genomic context (GRCh38, chr11:108,172,673, plus strand): 5'-ATAGGCATTTAACTAGTTCTGCATTTTTAGTAGGTGATTTAGTAGGAGAAGACAAGATTA[T>C]AGTTGGCAGGTTTTCTCCATTAATACTAGAAACAGCACTGGTAAGTTCAGTATCTGAGGA-3'
Protein context (NP_002510.2, residues 761-781): SSINGENLPT[Ile771Val]ILSSPTKSPT

ClinVar aggregate classification (germline): Uncertain significance (1 of 4 stars; one submission).

Allele frequency attached by ClinVar (database versions not stated): TOPMed below 0.00001; ExAC 0.00001; gnomAD exomes 0.00002.
gnomAD v4.1: 27 of 1,614,002 alleles (0.0017%); highest among the groups gnomAD compares: Non-Finnish European, 0.0022%; no homozygotes.

Submission:

Ambry Genetics
Classification: Uncertain significance. Last evaluated: 2021-06-13. Review status: criteria provided, single submitter. Criteria: Ambry Variant Classification Scheme 2023. Collection method: clinical testing. Allele origin: germline.
Comment: The p.I771V variant (also known as c.2311A>G), located in coding exon 13 of the NPAT gene, results from an A to G substitution at nucleotide position 2311. The isoleucine at codon 771 is replaced by valine, an amino acid with highly similar properties. This amino acid position is conserved. In addition, this alteration is predicted to be tolerated by in silico analysis. Since supporting evidence is limited at this time, the clinical significance of this alteration remains unclear.